The following is an entry in ClinVar:

NM_024675.4(PALB2):c.2473A>G (p.Arg825Gly)

Gene: PALB2 (partner and localizer of BRCA2; minus strand). Cytogenetic location: 16p12.2.
Variant type: single nucleotide variant.
Coding change: c.2473A>G on transcript NM_024675.4 (MANE Select); coding-DNA position 2473, A replaced by G.
Protein change: p.Arg825Gly; replaces arginine 825 with glycine.
Molecular consequence: missense variant.
Genome position (GRCh38, 1-based): chr16:23,629,681, T>C on the plus strand (A>G on the coding strand, the complement: PALB2 is on the minus strand). VCF-style: chr16-23629681-T-C. GRCh37 (hg19) VCF-style: chr16-23641002-T-C.
Other names: short protein forms R825G.
Identifiers: ClinVar variation 402299 (VCV000402299.17), dbSNP rs745747228, ClinGen allele CA7963569.

ClinVar aggregate classification (germline): Conflicting classifications of pathogenicity. Review status: criteria provided, conflicting classifications (1 of 4 stars). 4 submissions from 4 submitters: Uncertain significance (3); Likely benign (1). Last evaluated 2024-02-06.

Conditions:
Hereditary cancer-predisposing syndrome. Also called: Tumor predisposition; Neoplastic Syndromes, Hereditary; Hereditary Cancer Syndrome; Hereditary neoplastic syndrome. Identifiers: Orphanet 140162, MedGen C0027672, MeSH D009386, MONDO:0015356.
Familial cancer of breast. Also called: BREAST CANCER, FAMILIAL; hereditary breast carcinoma; Hereditary breast cancer. Identifiers: Orphanet 227535, MedGen C0346153, MONDO:0016419, OMIM 114480. Disease mechanism: loss of function.
Pancreatic cancer, susceptibility to, 3. Identifiers: Orphanet 1333, MedGen C3150547, MONDO:0013236, OMIM 613348.
Fanconi anemia complementation group N. Also called: PALB2-Related Fanconi Anemia. Identifiers: Orphanet 84, MedGen C1835817, MONDO:0012565, OMIM 610832. Disease mechanism: loss of function.

Allele frequency attached by ClinVar (database versions not stated): gnomAD exomes below 0.00001; ExAC 0.00001.
gnomAD v4.1: 1 of 1,614,252 alleles (0.000062%); highest among the groups gnomAD compares: Admixed American, 0.0017%; no homozygotes.

Submissions (4):

Color Diagnostics, LLC DBA Color Health
Classification: Uncertain significance for Hereditary cancer-predisposing syndrome. Last evaluated: 2024-02-06. Review status: criteria provided, single submitter. Criteria: ACMG Guidelines, 2015. Collection method: clinical testing. Allele origin: germline.
Comment: This missense variant replaces arginine with glycine at codon 825 of the PALB2 protein. Computational prediction suggests that this variant may not impact protein structure and function. To our knowledge, functional studies have not been reported for this variant. This variant has not been reported as a germline variant in individuals affected with PALB2-related disorders in the literature. This variant has been identified in 1/251448 chromosomes in the general population by the Genome Aggregation Database (gnomAD). The available evidence is insufficient to determine the role of this variant in disease conclusively. Therefore, this variant is classified as a Variant of Uncertain Significance.

Ambry Genetics
Classification: Likely benign for Hereditary cancer-predisposing syndrome. Last evaluated: 2023-12-18. Review status: criteria provided, single submitter. Criteria: Ambry Variant Classification Scheme 2023. Collection method: clinical testing. Allele origin: germline.

Labcorp Genetics (formerly Invitae), Labcorp
Classification: Uncertain significance for Familial cancer of breast. Last evaluated: 2022-07-10. Review status: criteria provided, single submitter. Criteria: Invitae Variant Classification Sherloc (09022015). Collection method: clinical testing. Allele origin: germline.
Comment: In summary, the available evidence is currently insufficient to determine the role of this variant in disease. Therefore, it has been classified as a Variant of Uncertain Significance. Algorithms developed to predict the effect of missense changes on protein structure and function output the following: SIFT: "Tolerated"; PolyPhen-2: "Benign"; Align-GVGD: "Class C0". The glycine amino acid residue is found in multiple mammalian species, which suggests that this missense change does not adversely affect protein function. ClinVar contains an entry for this variant (Variation ID: 402299). This variant has not been reported in the literature in individuals affected with PALB2-related conditions. This variant is present in population databases (rs745747228, gnomAD 0.003%). This sequence change replaces arginine, which is basic and polar, with glycine, which is neutral and non-polar, at codon 825 of the PALB2 protein (p.Arg825Gly).

Fulgent Genetics
Classification: Uncertain significance for Familial cancer of breast; Fanconi anemia complementation group N; Pancreatic cancer, susceptibility to, 3. Last evaluated: 2021-11-16. Review status: criteria provided, single submitter. Criteria: ACMG Guidelines, 2015. Collection method: clinical testing. Allele origin: unknown.